The following is an entry in ClinVar:

ClinVar aggregate classification (germline): Uncertain significance. Review status: criteria provided, multiple submitters, no conflicts (2 of 4 stars). 3 submissions from 3 submitters: Uncertain significance (2). 1 of the submissions does not count toward it. Last evaluated 2024-01-22.

Conditions:
CFTR-related disorder (CFTR-RD). Also called: CFTR-related disorders; CFTR-related condition. Identifiers: MedGen C5924204, MONDO:7770004.
Cystic fibrosis (CF). Also called: MUCOVISCIDOSIS. Identifiers: Orphanet 586, MedGen C0010674, MONDO:0009061, OMIM 219700. Disease mechanism: loss of function.

gnomAD v4.1: 1 of 1,614,032 alleles (0.000062%); highest among the groups gnomAD compares: Non-Finnish European, 0.000085%; no homozygotes.

Submissions (3):

Ambry Genetics
Classification: Uncertain significance for Cystic fibrosis. Last evaluated: 2024-01-22. Review status: criteria provided, single submitter. Criteria: Ambry Variant Classification Scheme 2023. Collection method: clinical testing. Allele origin: germline.
Comment: The p.E1417D variant (also known as c.4251A>C), located in coding exon 27 of the CFTR gene, results from an A to C substitution at nucleotide position 4251. The glutamic acid at codon 1417 is replaced by aspartic acid, an amino acid with highly similar properties. This amino acid position is highly conserved in available vertebrate species. In addition, the in silico prediction for this alteration is inconclusive. Based on the available evidence, the clinical significance of this alteration remains unclear.

Labcorp Genetics (formerly Invitae), Labcorp
Classification: Uncertain significance for Cystic fibrosis. Last evaluated: 2021-09-02. Review status: criteria provided, single submitter. Criteria: Invitae Variant Classification Sherloc (09022015). Collection method: clinical testing. Allele origin: germline.
Comment: This sequence change replaces glutamic acid with aspartic acid at codon 1417 of the CFTR protein (p.Glu1417Asp). The glutamic acid residue is moderately conserved and there is a small physicochemical difference between glutamic acid and aspartic acid. This variant is not present in population databases (ExAC no frequency). This variant has not been reported in the literature in individuals affected with CFTR-related conditions. Algorithms developed to predict the effect of missense changes on protein structure and function (SIFT, PolyPhen-2, Align-GVGD) all suggest that this variant is likely to be tolerated. In summary, the available evidence is currently insufficient to determine the role of this variant in disease. Therefore, it has been classified as a Variant of Uncertain Significance.

Natera, Inc.
Classification: Uncertain significance for CFTR-related disorders. Last evaluated: 2019-04-18. Review status: no assertion criteria provided. Collection method: clinical testing. Allele origin: germline. Not counted in ClinVar's aggregate classification.

NM_000492.4(CFTR):c.4251A>C (p.Glu1417Asp)

Genes: CFTR (CF transmembrane conductance regulator; plus strand), LOC111674477 (CFTR intron 23 enhancer; plus strand). Cytogenetic location: 7q31.2.
Variant type: single nucleotide variant.
Coding change: c.4251A>C on transcript NM_000492.4 (MANE Select); coding-DNA position 4251, A replaced by C.
Protein change: p.Glu1417Asp; replaces glutamic acid 1417 with aspartic acid.
Molecular consequence: missense variant.
Genome position (GRCh38, 1-based): chr7:117,666,916, A>C. VCF-style: chr7-117666916-A-C. GRCh37 (hg19) VCF-style: chr7-117306970-A-C.
Other names: short protein forms E1417D.
Identifiers: ClinVar variation 955878 (VCV000955878.9), dbSNP rs1793384834, ClinGen allele CA368984397.